The following is an entry in ClinVar:

NM_001999.4(FBN2):c.4222+10C>A

Gene: FBN2 (fibrillin 2; minus strand). Cytogenetic location: 5q23.3.
Variant type: single nucleotide variant.
Coding change: c.4222+10C>A on transcript NM_001999.4 (MANE Select); 10 bases into the intron after coding-DNA position 4222, C replaced by A.
Molecular consequence: intron variant.
Genome position (GRCh38, 1-based): chr5:128,332,902, G>T on the plus strand (C>A on the coding strand, the complement: FBN2 is on the minus strand). VCF-style: chr5-128332902-G-T. GRCh37 (hg19) VCF-style: chr5-127668594-G-T.
Identifiers: ClinVar variation 668795 (VCV000668795.16), dbSNP rs376700480, ClinGen allele CA127006920.
Genomic context (GRCh38, chr5:128,332,902, plus strand): 5'-TACAACCATGCAAAAAAGAGCCTTTAAAAATTTGTGCCTTAGCAAAGGATATTTACATTT[G>T]CAAACTCACCAATACACTTGATGCCGTTTCCAATCCAGCCTTCTCTGCAGCTACACTTGA-3'

ClinVar aggregate classification (germline): Conflicting classifications of pathogenicity. Review status: criteria provided, conflicting classifications (1 of 4 stars). 4 submissions from 4 submitters: Uncertain significance (1); Likely benign (3). Last evaluated 2025-09-03.

Conditions:
Congenital contractural arachnodactyly (CCA). Also called: BEALS SYNDROME; Beals-Hecht syndrome; Arthrogryposis, distal, type 9. Identifiers: Orphanet 115, MedGen C0220668, MONDO:0007363, OMIM 121050.
FBN2-related disorder. Also called: FBN2-related condition.
Ehlers-Danlos syndrome (EDS). Identifiers: Orphanet 98249, MedGen C0013720, MONDO:0020066.

Allele frequency attached by ClinVar (database versions not stated): gnomAD exomes 0.00002; gnomAD 0.00004; TOPMed 0.00004; ESP Exome Variant Server 0.00008.
gnomAD v4.1: 30 of 1,613,400 alleles (0.0019%); highest among the groups gnomAD compares: Non-Finnish European, 0.0024%; no homozygotes.

Submissions (4):

PreventionGenetics, part of Exact Sciences
Classification: Likely benign for FBN2-related condition. Last evaluated: 2025-09-03. Review status: criteria provided, single submitter. Criteria: ACMG Guidelines, 2015. Collection method: clinical testing. Allele origin: germline.
Comment: This variant is classified as likely benign based on ACMG/AMP sequence variant interpretation guidelines (Richards et al. 2015 PMID: 25741868, with internal and published modifications).

Labcorp Genetics (formerly Invitae), Labcorp
Classification: Likely benign for Congenital contractural arachnodactyly. Last evaluated: 2025-08-20. Review status: criteria provided, single submitter. Criteria: Invitae Variant Classification Sherloc (09022015). Collection method: clinical testing. Allele origin: germline.

Genome Diagnostics Laboratory, The Hospital for Sick Children
Classification: Uncertain significance for Ehlers-Danlos syndrome. Last evaluated: 2020-02-01. Review status: criteria provided, single submitter. Criteria: ACMG Guidelines, 2015. Collection method: clinical testing. Allele origin: germline.

GeneDx
Classification: Likely benign. Last evaluated: 2018-03-28. Review status: criteria provided, single submitter. Criteria: GeneDx Variant Classification (06012015). Collection method: clinical testing. Allele origin: germline. Affected: yes.
Comment: This variant is considered likely benign or benign based on one or more of the following criteria: it is a conservative change, it occurs at a poorly conserved position in the protein, it is predicted to be benign by multiple in silico algorithms, and/or has population frequency not consistent with disease.